The following is an entry in ClinVar:

ClinVar aggregate classification (germline): Uncertain significance (1 of 4 stars; one submission).

Conditions:
Inborn genetic diseases. Identifiers: MedGen C0950123, MeSH D030342.

gnomAD v4.1: 1 of 1,577,628 alleles (0.000063%); highest among the groups gnomAD compares: South Asian, 0.0012%; no homozygotes.

Submission:

Ambry Genetics
Classification: Uncertain significance for Inborn genetic diseases. Last evaluated: 2025-07-09. Review status: criteria provided, single submitter. Criteria: Ambry Variant Classification Scheme 2023. Collection method: clinical testing. Allele origin: germline.
Comment: The p.I145V variant (also known as c.433A>G), located in coding exon 2 of the ERCC6L2 gene, results from an A to G substitution at nucleotide position 433. The isoleucine at codon 145 is replaced by valine, an amino acid with highly similar properties. This amino acid position is conserved. In addition, the in silico prediction for this alteration is inconclusive. Based on the available evidence, the clinical significance of this variant remains unclear.

NM_020207.7(ERCC6L2):c.433A>G (p.Ile145Val)

Gene: ERCC6L2 (ERCC excision repair 6 like 2; plus strand). Cytogenetic location: 9q22.32.
Variant type: single nucleotide variant.
Coding change: c.433A>G on transcript NM_020207.7 (MANE Select); coding-DNA position 433, A replaced by G.
Protein change: p.Ile145Val; replaces isoleucine 145 with valine.
Molecular consequence: missense variant. On other transcripts: non-coding transcript variant (1).
Genome position (GRCh38, 1-based): chr9:95,881,255, A>G. VCF-style: chr9-95881255-A-G. GRCh37 (hg19) VCF-style: chr9-98643537-A-G.
Other names: c.433A>G, p.Ile145Val (NM_001010895.4, NM_001375291.1, NM_001375292.1 and 2 more transcripts); short protein forms I145V.
Identifiers: ClinVar variation 4250573 (VCV004250573.1).
Genomic context (GRCh38, chr9:95,881,255, plus strand): 5'-GACTACCAAAGAGAAGGAACCCGGTTTCTTTATGGACACTACATCCATGGAGGAGGGTGC[A>G]TTCTGGGTGATGACATGGGACTTGGAAAAACAGTACAGGTATTTAATTATGTTATAACAG-3'
Protein context (NP_064592.3, residues 135-155): YGHYIHGGGC[Ile145Val]LGDDMGLGKT